The following is an entry in ClinVar:

NM_024079.5(ALG8):c.568T>G (p.Phe190Val)

Gene: ALG8 (ALG8 alpha-1,3-glucosyltransferase; minus strand). Cytogenetic location: 11q14.1.
Variant type: single nucleotide variant.
Coding change: c.568T>G on transcript NM_024079.5 (MANE Select); coding-DNA position 568, T replaced by G.
Protein change: p.Phe190Val; replaces phenylalanine 190 with valine.
Molecular consequence: missense variant.
Genome position (GRCh38, 1-based): chr11:78,114,371, A>C on the plus strand (T>G on the coding strand, the complement: ALG8 is on the minus strand). VCF-style: chr11-78114371-A-C. GRCh37 (hg19) VCF-style: chr11-77825417-A-C.
Other names: c.568T>G, p.Phe190Val (NM_001007027.3); short protein forms F190V.
Identifiers: ClinVar variation 1010741 (VCV001010741.8), dbSNP rs1860461907, ClinGen allele CA382117260.

ClinVar aggregate classification (germline): Uncertain significance (1 of 4 stars; one submission).

Conditions:
ALG8 congenital disorder of glycosylation. Also called: CONGENITAL DISORDER OF GLYCOSYLATION, TYPE Ih; CDG Ih; ALG8-CDG. Identifiers: Orphanet 79325, MedGen C2931002, MONDO:0011969, OMIM 608104.

Submission:

Labcorp Genetics (formerly Invitae), Labcorp
Classification: Uncertain significance for ALG8 congenital disorder of glycosylation. Last evaluated: 2020-07-09. Review status: criteria provided, single submitter. Criteria: Invitae Variant Classification Sherloc (09022015). Collection method: clinical testing. Allele origin: germline.
Comment: In summary, the available evidence is currently insufficient to determine the role of this variant in disease. Therefore, it has been classified as a Variant of Uncertain Significance. Algorithms developed to predict the effect of missense changes on protein structure and function (SIFT, PolyPhen-2, Align-GVGD) all suggest that this variant is likely to be tolerated, but these predictions have not been confirmed by published functional studies and their clinical significance is uncertain. This variant has not been reported in the literature in individuals with ALG8-related conditions. This variant is not present in population databases (ExAC no frequency). This sequence change replaces phenylalanine with valine at codon 190 of the ALG8 protein (p.Phe190Val). The phenylalanine residue is weakly conserved and there is a small physicochemical difference between phenylalanine and valine.